The following is an entry in ClinVar:

ClinVar aggregate classification (germline): Uncertain significance (1 of 4 stars; one submission).

Conditions:
Arrhythmogenic right ventricular dysplasia 5. Also called: Arrhythmogenic Right Ventricular Dysplasia/Cardiomyopathy 5; ARRHYTHMOGENIC RIGHT VENTRICULAR DYSPLASIA, FAMILIAL, 5. Identifiers: MedGen C1858379, MONDO:0011459, OMIM 604400.

Submission:

All of Us Research Program, National Institutes of Health
Classification: Uncertain significance for Arrhythmogenic right ventricular dysplasia 5. Last evaluated: 2023-08-08. Review status: criteria provided, single submitter. Criteria: ACMG Guidelines, 2015. Collection method: clinical testing. Allele origin: germline. Inheritance: Autosomal dominant inheritance. Observed: 1 variant allele, 1 heterozygote.
Comment: This missense variant replaces alanine with valine at codon 293 of the TMEM43 protein. Computational prediction suggests that this variant may not impact protein structure and function (internally defined REVEL score threshold <= 0.5, PMID: 27666373). To our knowledge, functional studies have not been reported for this variant. This variant has not been reported in individuals affected with TMEM43-related disorders in the literature. This variant has not been identified in the general population by the Genome Aggregation Database (gnomAD). The available evidence is insufficient to determine the role of this variant in disease conclusively. Therefore, this variant is classified as a Variant of Uncertain Significance.

This study involves interpretation of variants in research participants for the purpose of population health screening. Participant phenotype was not available at the time of variant classification. Additional details can be found in publication PMID: 35346344, PMCID: PMC8962531

NM_024334.3(TMEM43):c.878C>T (p.Ala293Val)

Gene: TMEM43 (transmembrane protein 43; plus strand). Cytogenetic location: 3p25.1.
Variant type: single nucleotide variant.
Coding change: c.878C>T on transcript NM_024334.3 (MANE Select); coding-DNA position 878, C replaced by T.
Protein change: p.Ala293Val; replaces alanine 293 with valine.
Molecular consequence: missense variant.
Genome position (GRCh38, 1-based): chr3:14,135,904, C>T. VCF-style: chr3-14135904-C-T. GRCh37 (hg19) VCF-style: chr3-14177404-C-T.
Other names: c.881C>T, p.Ala294Val (NM_001407274.1); c.875C>T, p.Ala292Val (NM_001407275.1, NM_001407277.1); c.878C>T, p.Ala293Val (NM_001407276.1); c.863C>T, p.Ala288Val (NM_001407278.1); c.803C>T, p.Ala268Val (NM_001407279.1); c.728C>T, p.Ala243Val (NM_001407280.1); short protein forms A243V, A268V, A288V, A292V, A293V, A294V.
Identifiers: ClinVar variation 3072614 (VCV003072614.1), dbSNP rs1695163617, ClinGen allele CA351536054.
Genomic context (GRCh38, chr3:14,135,904, plus strand): 5'-TCCCATTCTCCACCAAGTCTGGGGATACCTTACTGCTCCTGCACCACGGGGACTTCTCAG[C>T]AGAGGTGAGTGCTGTGCCCTACTCGTACGGTGGAGGAACAAGCATGTCCTTCCTTCCTTC-3'
Protein context (NP_077310.1, residues 283-303): LLLLHHGDFS[Ala293Val]EEVFHRELRS